The following is an entry in ClinVar:

NM_000143.4(FH):c.496G>A (p.Gly166Arg)

Gene: FH (fumarate hydratase; minus strand). Cytogenetic location: 1q43.
Variant type: single nucleotide variant.
Coding change: c.496G>A on transcript NM_000143.4 (MANE Select); coding-DNA position 496, G replaced by A.
Protein change: p.Gly166Arg; replaces glycine 166 with arginine.
Molecular consequence: missense variant.
Genome position (GRCh38, 1-based): chr1:241,512,026, C>T on the plus strand (G>A on the coding strand, the complement: FH is on the minus strand). VCF-style: chr1-241512026-C-T. GRCh37 (hg19) VCF-style: chr1-241675326-C-T.
Other names: short protein forms G166R.
Identifiers: ClinVar variation 958929 (VCV000958929.14), dbSNP rs1660097824, ClinGen allele CA345439971.

ClinVar aggregate classification (germline): Uncertain significance. Review status: criteria provided, multiple submitters, no conflicts (2 of 4 stars). 3 submissions from 3 submitters: Uncertain significance (2). 1 of the submissions does not count toward it. Last evaluated 2026-03-05.

Conditions:
Hereditary cancer-predisposing syndrome. Also called: Tumor predisposition; Hereditary neoplastic syndrome; Hereditary Cancer Syndrome; Neoplastic Syndromes, Hereditary. Identifiers: Orphanet 140162, MedGen C0027672, MeSH D009386, MONDO:0015356.
Fumarase deficiency (FMRD). Also called: Fumarate Hydratase Deficiency; Fumaric aciduria. Identifiers: Orphanet 24, MedGen C0342770, MONDO:0011730, OMIM 606812.

Submissions (3):

Ambry Genetics
Classification: Uncertain significance for Hereditary cancer-predisposing syndrome. Last evaluated: 2026-03-05. Review status: criteria provided, single submitter. Criteria: Ambry Variant Classification Scheme 2023. Collection method: clinical testing. Allele origin: germline.
Comment: The p.G166R variant (also known as c.496G>A), located in coding exon 4 of the FH gene, results from a G to A substitution at nucleotide position 496. The glycine at codon 166 is replaced by arginine, an amino acid with dissimilar properties. This amino acid position is highly conserved in available vertebrate species. In addition, this alteration is predicted to be deleterious by in silico analysis. Based on the available evidence, the clinical significance of this variant remains unclear.

Labcorp Genetics (formerly Invitae), Labcorp
Classification: Uncertain significance. Last evaluated: 2025-10-17. Review status: criteria provided, single submitter. Criteria: Invitae Variant Classification Sherloc (09022015). Collection method: clinical testing. Allele origin: germline.
Comment: This sequence change replaces glycine, which is neutral and non-polar, with arginine, which is basic and polar, at codon 166 of the FH protein (p.Gly166Arg). This variant is not present in population databases (gnomAD no frequency). This variant has not been reported in the literature in individuals affected with FH-related conditions. ClinVar contains an entry for this variant (Variation ID: 958929). Invitae Evidence Modeling of protein sequence and biophysical properties (such as structural, functional, and spatial information, amino acid conservation, physicochemical variation, residue mobility, and thermodynamic stability) indicates that this missense variant is expected to disrupt FH protein function with a positive predictive value of 95%. In summary, the available evidence is currently insufficient to determine the role of this variant in disease. Therefore, it has been classified as a Variant of Uncertain Significance.

Natera, Inc.
Classification: Uncertain significance for Fumarase Deficiency. Last evaluated: 2025-04-10. Review status: no assertion criteria provided. Collection method: clinical testing. Allele origin: germline. Not counted in ClinVar's aggregate classification.